The following is an entry in ClinVar:

NM_000548.5(TSC2):c.5172G>T (p.Gln1724His)

Gene: TSC2 (TSC complex subunit 2; plus strand). Cytogenetic location: 16p13.3.
Variant type: single nucleotide variant.
Coding change: c.5172G>T on transcript NM_000548.5 (MANE Select); coding-DNA position 5172, G replaced by T.
Protein change: p.Gln1724His; replaces glutamine 1724 with histidine.
Molecular consequence: missense variant. On other transcripts: non-coding transcript variant (5), splice acceptor variant (1).
Genome position (GRCh38, 1-based): chr16:2,088,238, G>T. VCF-style: chr16-2088238-G-T. GRCh37 (hg19) VCF-style: chr16-2138239-G-T.
Other names: c.4971G>T, p.Gln1657His (NM_001077183.3); c.5103G>T, p.Gln1701His (NM_001114382.3); c.4863G>T, p.Gln1621His (NM_001318827.2); c.4827G>T, p.Gln1609His (NM_001318829.2); c.3699G>T, p.Gln1233His (NM_001406690.1); c.3696G>T, p.Gln1232His (NM_001406691.1); c.3630G>T, p.Gln1210His (NM_001406692.1, NM_001406693.1, NM_001406694.1); c.3627G>T, p.Gln1209His (NM_001406695.1, NM_001406696.1, NM_001406697.1); and 27 more; short protein forms Q1621H, Q1658H, Q1681H, Q1480H, Q1609H, Q1657H, Q1668H, Q1701H.
Identifiers: ClinVar variation 646530 (VCV000646530.12), dbSNP rs774044431, ClinGen allele CA394313940.

ClinVar aggregate classification (germline): Uncertain significance. Review status: criteria provided, multiple submitters, no conflicts (2 of 4 stars). 3 submissions from 3 submitters: Uncertain significance (2). 1 of the submissions does not count toward it. Last evaluated 2024-07-28.

Conditions:
Hereditary cancer-predisposing syndrome. Also called: Neoplastic Syndromes, Hereditary; Hereditary Cancer Syndrome; Hereditary neoplastic syndrome; Tumor predisposition. Identifiers: Orphanet 140162, MedGen C0027672, MeSH D009386, MONDO:0015356.
Tuberous sclerosis 2 (TSC2). Identifiers: Orphanet 805, MedGen C1860707, MONDO:0013199, OMIM 613254.

Allele frequency attached by ClinVar (database versions not stated): gnomAD exomes below 0.00001.
gnomAD v4.1: 2 of 1,613,066 alleles (0.00012%); highest among the groups gnomAD compares: South Asian, 0.0022%; no homozygotes.

Submissions (3):

Ambry Genetics
Classification: Uncertain significance for Hereditary cancer-predisposing syndrome. Last evaluated: 2024-07-28. Review status: criteria provided, single submitter. Criteria: Ambry Variant Classification Scheme 2023. Collection method: clinical testing. Allele origin: germline.
Comment: The p.Q1724H variant (also known as c.5172G>T), located in coding exon 40 of the TSC2 gene, results from a G to T substitution at nucleotide position 5172. The glutamine at codon 1724 is replaced by histidine, an amino acid with highly similar properties. This amino acid position is conserved. In addition, the in silico prediction for this alteration is inconclusive. Based on the available evidence, the clinical significance of this variant remains unclear.

Labcorp Genetics (formerly Invitae), Labcorp
Classification: Uncertain significance for Tuberous sclerosis 2. Last evaluated: 2024-04-01. Review status: criteria provided, single submitter. Criteria: Invitae Variant Classification Sherloc (09022015). Collection method: clinical testing. Allele origin: germline.
Comment: This sequence change replaces glutamine, which is neutral and polar, with histidine, which is basic and polar, at codon 1724 of the TSC2 protein (p.Gln1724His). This variant is not present in population databases (gnomAD no frequency). This variant has not been reported in the literature in individuals affected with TSC2-related conditions. ClinVar contains an entry for this variant (Variation ID: 646530). Advanced modeling of protein sequence and biophysical properties (such as structural, functional, and spatial information, amino acid conservation, physicochemical variation, residue mobility, and thermodynamic stability) performed at Invitae indicates that this missense variant is not expected to disrupt TSC2 protein function with a negative predictive value of 95%. In summary, the available evidence is currently insufficient to determine the role of this variant in disease. Therefore, it has been classified as a Variant of Uncertain Significance.

Genetics and Genomic Medicine Centre, NeuroGen Healthcare, NeuroGen Healthcare
Classification: Uncertain significance. Last evaluated: 2021-12-10. Review status: no assertion criteria provided. Collection method: clinical testing. Allele origin: unknown. Affected: yes. Not counted in ClinVar's aggregate classification.